The following is an entry in ClinVar:

NM_001148.6(ANK2):c.5092T>A (p.Leu1698Met)

Gene: ANK2 (ankyrin 2; plus strand). Cytogenetic location: 4q26.
Variant type: single nucleotide variant.
Coding change: c.5092T>A on transcript NM_001148.6 (MANE Select); coding-DNA position 5092, T replaced by A.
Protein change: p.Leu1698Met; replaces leucine 1698 with methionine.
Molecular consequence: missense variant. On other transcripts: intron variant (68).
Genome position (GRCh38, 1-based): chr4:113,353,710, T>A. VCF-style: chr4-113353710-T-A. GRCh37 (hg19) VCF-style: chr4-114274866-T-A.
Other names: c.4858T>A, p.Leu1620Met (NM_001386142.1); c.1492T>A, p.Leu498Met (NM_001386166.1); c.5233T>A, p.Leu1745Met (NM_001386174.1); c.5209T>A, p.Leu1737Met (NM_001386175.1); c.4411+3461T>A (NM_001386186.2, NM_001386148.2); c.4213+3461T>A (NM_001354269.3); c.4291+3461T>A (NM_001386187.2); c.4252+3461T>A (NM_001386147.1); and 35 more; short protein forms L1698M, L1620M, L1737M, L1745M, L498M.
Identifiers: ClinVar variation 639286 (VCV000639286.5), dbSNP rs1588902519, ClinGen allele CA357918089.

ClinVar aggregate classification (germline): Uncertain significance (1 of 4 stars; one submission).

Conditions:
Long QT syndrome (LQTS). Identifiers: MedGen C0023976, MeSH D008133, MONDO:0002442. Disease mechanism: loss of function. Inheritance: Various modes of inheritance.

Submission:

Labcorp Genetics (formerly Invitae), Labcorp
Classification: Uncertain significance for Long QT syndrome. Last evaluated: 2018-08-20. Review status: criteria provided, single submitter. Criteria: Invitae Variant Classification Sherloc (09022015). Collection method: clinical testing. Allele origin: germline.
Comment: This sequence change replaces leucine with methionine at codon 1698 of the ANK2 protein (p.Leu1698Met). The leucine residue is moderately conserved and there is a small physicochemical difference between leucine and methionine. This variant is not present in population databases (ExAC no frequency). This variant has not been reported in the literature in individuals with ANK2-related disease. Algorithms developed to predict the effect of missense changes on protein structure and function are either unavailable or do not agree on the potential impact of this missense change (SIFT: "Tolerated"; PolyPhen-2: "Possibly Damaging"; Align-GVGD: "Class C0"). In summary, the available evidence is currently insufficient to determine the role of this variant in disease. Therefore, it has been classified as a Variant of Uncertain Significance.